The following is an entry in ClinVar:

ClinVar aggregate classification (germline): Uncertain significance (1 of 4 stars; one submission).

Conditions:
Multiple endocrine neoplasia, type 2 (MEN2). Identifiers: Orphanet 653, MedGen C4048306, MONDO:0019003. Disease mechanism: gain of function.

Submission:

Labcorp Genetics (formerly Invitae), Labcorp
Classification: Uncertain significance for Multiple endocrine neoplasia, type 2. Last evaluated: 2024-01-09. Review status: criteria provided, single submitter. Criteria: Invitae Variant Classification Sherloc (09022015). Collection method: clinical testing. Allele origin: germline.
Comment: This sequence change falls in intron 5 of the RET gene. It does not directly change the encoded amino acid sequence of the RET protein. It affects a nucleotide within the consensus splice site. This variant is not present in population databases (gnomAD no frequency). This variant has not been reported in the literature in individuals affected with RET-related conditions. Variants that disrupt the consensus splice site are a relatively common cause of aberrant splicing (PMID: 17576681, 9536098). Algorithms developed to predict the effect of sequence changes on RNA splicing suggest that this variant is not likely to affect RNA splicing. In summary, the available evidence is currently insufficient to determine the role of this variant in disease. Therefore, it has been classified as a Variant of Uncertain Significance.

Literature cited by the submitters: PubMed 17576681; PubMed 9536098.

NM_020975.6(RET):c.1063+6_1063+7del

Gene: RET (ret proto-oncogene; plus strand). Cytogenetic location: 10q11.21.
Variant type: Microsatellite.
Coding change: c.1063+6_1063+7del on transcript NM_020975.6 (MANE Select); bases 6 to 7 of the intron after coding-DNA position 1063, 2 bases deleted (AG; older notation c.1063+6_1063+7delAG).
Molecular consequence: intron variant.
Genome position (GRCh38, 1-based): chr10:43,106,577-43,106,578, AG deleted; deleting any 2 consecutive bases within chr10:43,106,575-43,106,578 gives the same sequence; the c. name uses the placement nearest the transcript's 3' end. VCF-style (leftmost placement, unchanged base first): chr10-43106574-AAG-A. GRCh37 (hg19) VCF-style: chr10-43602022-AAG-A.
Other names: c.1063+6_1063+7del (NM_020630.7, NM_001406743.1, NM_001406744.1 and 4 more transcripts); c.867+1384_867+1385del (NM_001406772.1, NM_001406769.1); c.626-2454_626-2453del (NM_001406773.1, NM_001406771.1); c.625+3948_625+3949del (NM_001406782.1, NM_001406780.1, NM_001406779.1 and 3 more transcripts); c.934+6_934+7del (NM_001406764.1, NM_001406762.1, NM_001406761.1 and 1 more transcripts); c.738+1384_738+1385del (NM_001406774.1); c.496+3948_496+3949del (NM_001406786.1, NM_001406783.1); c.775+6_775+7del (NM_001406770.1, NM_001406766.1, NM_001406767.1); and 5 more.
Identifiers: ClinVar variation 2707737 (VCV002707737.3), dbSNP rs2538405931, ClinGen allele CA2697558307.
Genomic context (GRCh38, chr10:43,106,574, plus strand): 5'-AACGAGACCTCGGTCCAGGCCAACGGCAGCTTCGTGCGGGCGACCGTACATGACTATAGT[AAG>A]AGGGGCTGGTGGCACGGCCTGGCTAGGCCCCCAGGAAATGAGGTGCTCGCTCTTCATGGG-3'